The following is an entry in ClinVar:

NM_004035.7(ACOX1):c.317T>C (p.Met106Thr)

Gene: ACOX1 (acyl-CoA oxidase 1; minus strand). Cytogenetic location: 17q25.1.
Variant type: single nucleotide variant.
Coding change: c.317T>C on transcript NM_004035.7 (MANE Select); coding-DNA position 317, T replaced by C.
Protein change: p.Met106Thr; replaces methionine 106 with threonine.
Molecular consequence: missense variant. On other transcripts: intron variant (1).
Genome position (GRCh38, 1-based): chr17:75,960,328, A>G on the plus strand (T>C on the coding strand, the complement: ACOX1 is on the minus strand). VCF-style: chr17-75960328-A-G. GRCh37 (hg19) VCF-style: chr17-73956409-A-G.
Other names: c.203T>C, p.Met68Thr (NM_001185039.2); c.431-2762T>C (NM_007292.6); short protein forms M68T, M106T.
Identifiers: ClinVar variation 1503507 (VCV001503507.7), dbSNP rs192681738, ClinGen allele CA8777050.

ClinVar aggregate classification (germline): Conflicting classifications of pathogenicity. Review status: criteria provided, conflicting classifications (1 of 4 stars). 2 submissions from 2 submitters: Likely pathogenic (1); Uncertain significance (1). Last evaluated 2026-08-04.

Conditions:
Acyl-CoA oxidase deficiency. Also called: STRAIGHT-CHAIN ACYL-CoA OXIDASE DEFICIENCY; Pseudoneonatal adrenoleukodystrophy; Peroxisomal acyl-CoA oxidase deficiency. Identifiers: Orphanet 2971, MedGen C1849678, MONDO:0009919, OMIM 264470. Disease mechanism: loss of function.

Allele frequency attached by ClinVar (database versions not stated): gnomAD exomes below 0.00001; TOPMed below 0.00001; ExAC 0.00001; gnomAD 0.00001; 1000 Genomes Project 30x 0.00016; 1000 Genomes Project 0.00020.

Submissions (2):

GLIA-CTN Genomics Core
Classification: Likely pathogenic for Acyl-CoA oxidase deficiency. Last evaluated: 2026-08-04. Review status: criteria provided, single submitter. Criteria: ACMG Guidelines, 2015. Collection method: clinical testing. Allele origin: maternal. Inheritance: Autosomal recessive inheritance. Affected: yes.
Comment: The NM_004035.7(ACOX1):c.317T>C variant in ACOX1 is a missense variant predicted to cause substitution of methionine by threonine at amino acid 106 (p. Met106Thr). This variant has an extremely low frequency gnomAD v4.1.1(PM2_supporting). This was observed in the homozygous state in two siblings (born to non-consanguineous parents) with clinical presentation consistent with ACOX1-deficiency and elevated C26:0 and C24/22 and C26/22 ratios in VLCFA testing, which is highly specific for ACOX1-deficiency (PP4_strong, PM3, PP1). In summary, this variant meets the criteria to be classified as Likely Pathogenic for autosomal recessive ACOX1-deficiency based on the ACMG/AMP criteria applied: (PP4_strong, PM3, PP1, PM2_supporting).

Labcorp Genetics (formerly Invitae), Labcorp
Classification: Uncertain significance for Acyl-CoA oxidase deficiency. Last evaluated: 2024-05-22. Review status: criteria provided, single submitter. Criteria: Invitae Variant Classification Sherloc (09022015). Collection method: clinical testing. Allele origin: germline.
Comment: This sequence change replaces methionine, which is neutral and non-polar, with threonine, which is neutral and polar, at codon 106 of the ACOX1 protein (p.Met106Thr). This variant is present in population databases (rs192681738, gnomAD 0.003%). This variant has not been reported in the literature in individuals affected with ACOX1-related conditions. ClinVar contains an entry for this variant (Variation ID: 1503507). Advanced modeling of protein sequence and biophysical properties (such as structural, functional, and spatial information, amino acid conservation, physicochemical variation, residue mobility, and thermodynamic stability) performed at Invitae indicates that this missense variant is expected to disrupt ACOX1 protein function with a positive predictive value of 80%. In summary, the available evidence is currently insufficient to determine the role of this variant in disease. Therefore, it has been classified as a Variant of Uncertain Significance.